The following is an entry in ClinVar:

ClinVar aggregate classification (germline): Uncertain significance (1 of 4 stars; one submission).

Allele frequency attached by ClinVar (database versions not stated): gnomAD exomes below 0.00001.
gnomAD v4.1: 3 of 1,613,800 alleles (0.00019%); highest among the groups gnomAD compares: Non-Finnish European, 0.00025%; no homozygotes.

Submission:

Labcorp Genetics (formerly Invitae), Labcorp
Classification: Uncertain significance. Last evaluated: 2022-07-26. Review status: criteria provided, single submitter. Criteria: Invitae Variant Classification Sherloc (09022015). Collection method: clinical testing. Allele origin: germline.
Comment: This variant has not been reported in the literature in individuals affected with PCLO-related conditions. In summary, the available evidence is currently insufficient to determine the role of this variant in disease. Therefore, it has been classified as a Variant of Uncertain Significance. Algorithms developed to predict the effect of missense changes on protein structure and function output the following: SIFT: "Tolerated"; PolyPhen-2: "Not Available"; Align-GVGD: "Class C0". The glutamic acid amino acid residue is found in multiple mammalian species, which suggests that this missense change does not adversely affect protein function. ClinVar contains an entry for this variant (Variation ID: 1504701). This variant is not present in population databases (gnomAD no frequency). This sequence change replaces valine, which is neutral and non-polar, with glutamic acid, which is acidic and polar, at codon 1285 of the PCLO protein (p.Val1285Glu).

NM_033026.6(PCLO):c.3854T>A (p.Val1285Glu)

Gene: PCLO (piccolo presynaptic cytomatrix protein; minus strand). Cytogenetic location: 7q21.11.
Variant type: single nucleotide variant.
Coding change: c.3854T>A on transcript NM_033026.6 (MANE Select); coding-DNA position 3854, T replaced by A.
Protein change: p.Val1285Glu; replaces valine 1285 with glutamic acid.
Molecular consequence: missense variant.
Genome position (GRCh38, 1-based): chr7:82,965,934, A>T on the plus strand (T>A on the coding strand, the complement: PCLO is on the minus strand). VCF-style: chr7-82965934-A-T. GRCh37 (hg19) VCF-style: chr7-82595250-A-T.
Other names: c.3854T>A, p.Val1285Glu (NM_014510.3); short protein forms V1285E.
Identifiers: ClinVar variation 1504701 (VCV001504701.6), dbSNP rs2115658354, ClinGen allele CA367931552.
Genomic context (GRCh38, chr7:82,965,934, plus strand): 5'-CTCTGAGGTGTGCCAGATGGTAAACCTTCCATCTTGGTCTGTGGTTGTTTCCCTTCTTGC[A>T]CTGTCTTTGGAGCCACTCTGCCTTCAAGCTTTTCTTCAGCAATTTGTACTTGAGATTTAA-3'
Protein context (NP_149015.2, residues 1275-1295): KLEGRVAPKT[Val1285Glu]QEGKQPQTKM